The following is an entry in ClinVar:

ClinVar aggregate classification (germline): Uncertain significance. Review status: criteria provided, single submitter (1 of 4 stars). 2 submissions from 2 submitters: Uncertain significance (1). 1 of the submissions does not count toward it. Last evaluated 2024-10-21.

Conditions:
TTN-related disorder. Also called: TTN-related condition; TTN-related disease; TTN-related disorders.
Dilated cardiomyopathy 1G (CMD1G). Identifiers: Orphanet 154, MedGen C1858763, MONDO:0011400, OMIM 604145.
Autosomal recessive limb-girdle muscular dystrophy type 2J (LGMDR10). Also called: MUSCULAR DYSTROPHY, LIMB-GIRDLE, AUTOSOMAL RECESSIVE 10; Limb-girdle muscular dystrophy, type 2J. Identifiers: Orphanet 140922, MedGen C1837342, MONDO:0012127, OMIM 608807.

Allele frequency attached by ClinVar (database versions not stated): gnomAD exomes below 0.00001; TOPMed below 0.00001; gnomAD 0.00001.

Submissions (2):

Labcorp Genetics (formerly Invitae), Labcorp
Classification: Uncertain significance for Dilated cardiomyopathy 1G; Autosomal recessive limb-girdle muscular dystrophy type 2J. Last evaluated: 2024-10-21. Review status: criteria provided, single submitter. Criteria: Invitae Variant Classification Sherloc (09022015). Collection method: clinical testing. Allele origin: germline.
Comment: This sequence change replaces serine, which is neutral and polar, with phenylalanine, which is neutral and non-polar, at codon 33840 of the TTN protein (p.Ser33840Phe). This variant is not present in population databases (gnomAD no frequency). This variant has not been reported in the literature in individuals affected with TTN-related conditions. ClinVar contains an entry for this variant (Variation ID: 1385722). Experimental studies and prediction algorithms are not available or were not evaluated, and the functional significance of this variant is currently unknown. This variant is located in the M band of TTN (PMID: 25589632). Non-truncating variants in this region may be relevant for neuromuscular disorders, but have not been definitively shown to cause cardiomyopathy (PMID: 23975875). In summary, the available evidence is currently insufficient to determine the role of this variant in disease. Therefore, it has been classified as a Variant of Uncertain Significance.

PreventionGenetics, part of Exact Sciences
Classification: Uncertain significance for TTN-related condition. Last evaluated: 2024-08-28. Review status: no assertion criteria provided. Collection method: clinical testing. Allele origin: germline. Not counted in ClinVar's aggregate classification.
Comment: The TTN c.101519C>T variant is predicted to result in the amino acid substitution p.Ser33840Phe. To our knowledge, this variant has not been reported in the literature or in a large population database, indicating this variant is rare. At this time, the clinical significance of this variant is uncertain due to the absence of conclusive functional and genetic evidence.

Literature cited by the submitters: PubMed 25589632 (cited by Labcorp Genetics (formerly Invitae), Labcorp); PubMed 23975875 (cited by Labcorp Genetics (formerly Invitae), Labcorp).

NM_001267550.2(TTN):c.101519C>T (p.Ser33840Phe)

Genes: TTN-AS1 (TTN antisense RNA 1; plus strand), TTN (titin; minus strand). Cytogenetic location: 2q31.2.
Variant type: single nucleotide variant.
Coding change: c.101519C>T on transcript NM_001267550.2 (MANE Select); coding-DNA position 101519, C replaced by T.
Protein change: p.Ser33840Phe; replaces serine 33840 with phenylalanine.
Molecular consequence: missense variant.
Genome position (GRCh38, 1-based): chr2:178,535,096, G>A on the plus strand (C>T on the coding strand, the complement: TTN is on the minus strand). VCF-style: chr2-178535096-G-A. GRCh37 (hg19) VCF-style: chr2-179399823-G-A.
Other names: c.96596C>T, p.Ser32199Phe (NM_001256850.1); c.74324C>T, p.Ser24775Phe (NM_003319.4); c.93815C>T, p.Ser31272Phe (NM_133378.4); c.74699C>T, p.Ser24900Phe (NM_133432.3); c.74900C>T, p.Ser24967Phe (NM_133437.4); short protein forms S24775F, S24900F, S24967F, S31272F, S32199F, S33840F.
Identifiers: ClinVar variation 1385722 (VCV001385722.7), dbSNP rs1202069310, ClinGen allele CA349420533.